The following is an entry in ClinVar:

NM_000053.4(ATP7B):c.2866-13G>C

Gene: ATP7B (ATPase copper transporting beta; minus strand). Cytogenetic location: 13q14.3.
Variant type: single nucleotide variant.
Coding change: c.2866-13G>C on transcript NM_000053.4 (MANE Select); 13 bases into the intron before coding-DNA position 2866, G replaced by C.
Molecular consequence: intron variant.
Genome position (GRCh38, 1-based): chr13:51,946,491, C>G on the plus strand (G>C on the coding strand, the complement: ATP7B is on the minus strand). VCF-style: chr13-51946491-C-G. GRCh37 (hg19) VCF-style: chr13-52520627-C-G.
Other names: p.?; c.2533-13G>C (NM_001243182.2); c.2245-13G>C (NM_001005918.3); c.2614-13G>C (NM_001330579.2); c.2632-13G>C (NM_001330578.2).
Identifiers: ClinVar variation 35709 (VCV000035709.40), dbSNP rs7325983, ClinGen allele CA145678.

ClinVar aggregate classification (germline): Benign. Review status: criteria provided, multiple submitters, no conflicts (2 of 4 stars). 15 submissions from 15 submitters: Benign (13). 2 of the submissions do not count toward it. Last evaluated 2026-02-04.

Conditions:
Wilson disease (WND). Also called: Wilson's disease. Identifiers: Orphanet 905, MedGen C0019202, MONDO:0010200, OMIM 277900. Disease mechanism: loss of function.

Allele frequency attached by ClinVar (database versions not stated): gnomAD 0.10319 and 0.10642; gnomAD exomes 0.06930 and 0.05220; ExAC 0.07199; TOPMed 0.11139; 1000 Genomes Project 30x 0.11899; ESP Exome Variant Server 0.09534; 1000 Genomes Project 0.11362.
gnomAD v4.1: 92,653 of 1,613,784 alleles (5.7%); highest among the groups gnomAD compares: African/African-American, 24%; 4,139 homozygotes.

Submissions (15):

Labcorp Genetics (formerly Invitae), Labcorp
Classification: Benign for Wilson disease. Last evaluated: 2026-02-04. Review status: criteria provided, single submitter. Criteria: Invitae Variant Classification Sherloc (09022015). Collection method: clinical testing. Allele origin: germline.

Blueprint Genetics
Classification: Benign. Last evaluated: 2024-11-27. Review status: criteria provided, single submitter. Criteria: ACMG Guidelines, 2015. Collection method: clinical testing. Allele origin: germline.

ARUP Laboratories, Molecular Genetics and Genomics, ARUP Laboratories
Classification: Benign for Wilson disease. Last evaluated: 2022-02-14. Review status: criteria provided, single submitter. Criteria: ARUP Molecular Germline Variant Investigation Process 2021. Collection method: clinical testing. Allele origin: germline.

Genome-Nilou Lab
Classification: Benign for Wilson disease. Last evaluated: 2021-07-01. Review status: criteria provided, single submitter. Criteria: ACMG Guidelines, 2015. Collection method: clinical testing. Allele origin: germline. Affected: no.

Mayo Clinic Laboratories, Mayo Clinic
Classification: Benign. Last evaluated: 2021-04-07. Review status: criteria provided, single submitter. Criteria: ACMG Guidelines, 2015. Collection method: clinical testing. Allele origin: germline. Observed: 61 variant alleles.

Color Diagnostics, LLC DBA Color Health
Classification: Benign for Wilson disease. Last evaluated: 2019-03-29. Review status: criteria provided, single submitter. Criteria: ACMG Guidelines, 2015. Collection method: clinical testing. Allele origin: germline.

Illumina Laboratory Services, Illumina
Classification: Benign for Wilson disease. Last evaluated: 2018-01-12. Review status: criteria provided, single submitter. Criteria: ICSL Variant Classification Criteria 13 December 2019. Collection method: clinical testing. Allele origin: germline.
Comment: This variant was observed in the ICSL laboratory as part of a predisposition screen in an ostensibly healthy population. It had not been previously curated by ICSL or reported in the Human Gene Mutation Database (HGMD: prior to June 1st, 2018), and was therefore a candidate for classification through an automated scoring system. Utilizing variant allele frequency, disease prevalence and penetrance estimates, and inheritance mode, an automated score was calculated to assess if this variant is too frequent to cause the disease. Based on the score and internal cut-off values, a variant classified as benign is not then subjected to further curation. The score for this variant resulted in a classification of benign for this disease.

GeneDx
Classification: Benign. Last evaluated: 2015-12-04. Review status: criteria provided, single submitter. Criteria: GeneDx Variant Classification (06012015). Collection method: clinical testing. Allele origin: germline. Affected: yes.
Comment: This variant is considered likely benign or benign based on one or more of the following criteria: it is a conservative change, it occurs at a poorly conserved position in the protein, it is predicted to be benign by multiple in silico algorithms, and/or has population frequency not consistent with disease.

Eurofins Ntd Llc (ga)
Classification: Benign. Last evaluated: 2014-07-11. Review status: criteria provided, single submitter. Criteria: EGL Classification Definitions 2015. Collection method: clinical testing. Allele origin: germline. Observed: 5 variant alleles, 5 heterozygotes.

Genetic Services Laboratory, University of Chicago
Classification: Benign. Last evaluated: 2013-02-08. Review status: criteria provided, single submitter. Criteria: ACMG Guidelines, 2007. Collection method: clinical testing. Allele origin: germline. Inheritance: Autosomal recessive inheritance.

Women's Health and Genetics/Laboratory Corporation of America, LabCorp
Classification: Benign for Wilson Disease. Last evaluated: 2011-08-18. Review status: criteria provided, single submitter. Criteria: LabCorp Variant Classification Summary - May 2015. Collection method: curation, clinical testing. Allele origin: germline. Inheritance: autosomal unknown. Affected: yes.
ClinVar note: Converted during submission from benign to Benign.

Breakthrough Genomics
Classification: Benign. Review status: criteria provided, single submitter. Criteria: ACMG Guidelines, 2015. Collection method: not provided. Allele origin: germline. Inheritance: Autosomal recessive inheritance. Affected: yes.

PreventionGenetics, part of Exact Sciences
Classification: Benign. Review status: criteria provided, single submitter. Criteria: ACMG Guidelines, 2015. Collection method: clinical testing. Allele origin: germline.

Clinical Genetics, Academic Medical Center
Classification: Benign. Review status: no assertion criteria provided. Collection method: clinical testing. Allele origin: germline. Affected: yes. Study: VKGL Data-share Consensus. Not counted in ClinVar's aggregate classification.

Genome Diagnostics Laboratory, Amsterdam University Medical Center
Classification: Benign. Review status: no assertion criteria provided. Collection method: clinical testing. Allele origin: germline. Affected: yes. Study: VKGL Data-share Consensus. Not counted in ClinVar's aggregate classification.

Literature cited by the submitters: PubMed 7626145 (cited by Women's Health and Genetics/Laboratory Corporation of America, LabCorp); PubMed 16088907 (cited by Women's Health and Genetics/Laboratory Corporation of America, LabCorp).